The following is an entry in ClinVar:

ClinVar aggregate classification (germline): Benign/Likely benign. Review status: criteria provided, multiple submitters, no conflicts (2 of 4 stars). 11 submissions from 11 submitters: Benign (4); Likely benign (6). 1 of the submissions does not count toward it. Last evaluated 2026-02-02.

Conditions:
Inborn genetic diseases. Identifiers: MedGen C0950123, MeSH D030342.
Cohen syndrome (COH1). Also called: Cutis verticis gyrata, retinitis pigmentosa, and sensorineural deafness; PEPPER SYNDROME. Identifiers: Orphanet 193, MedGen C0265223, MONDO:0008999, OMIM 216550.

Allele frequency attached by ClinVar (database versions not stated): gnomAD 0.00194; TOPMed 0.00261; ESP Exome Variant Server 0.00292; 1000 Genomes Project 0.00319.
gnomAD v4.1: 726 of 1,614,194 alleles (0.045%); highest among the groups gnomAD compares: African/African-American, 0.84%; 6 homozygotes.

Submissions (11):

Labcorp Genetics (formerly Invitae), Labcorp
Classification: Benign for Cohen syndrome. Last evaluated: 2026-02-02. Review status: criteria provided, single submitter. Criteria: Invitae Variant Classification Sherloc (09022015). Collection method: clinical testing. Allele origin: germline.

Women's Health and Genetics/Laboratory Corporation of America, LabCorp
Classification: Likely benign. Last evaluated: 2026-01-23. Review status: criteria provided, single submitter. Criteria: LabCorp Variant Classification Summary - May 2015. Collection method: clinical testing. Allele origin: germline.

Blueprint Genetics
Classification: Likely benign. Last evaluated: 2024-11-25. Review status: criteria provided, single submitter. Criteria: ACMG Guidelines, 2015. Collection method: clinical testing. Allele origin: germline.

CeGaT Center for Human Genetics Tuebingen
Classification: Likely benign. Last evaluated: 2022-09-01. Review status: criteria provided, single submitter. Criteria: CeGaT Center For Human Genetics Tuebingen Variant Classification Criteria Version 2. Collection method: clinical testing. Allele origin: germline. Affected: yes. Observed: 2 variant alleles.
Comment: VPS13B: BP4, BP7

Mayo Clinic Laboratories, Mayo Clinic
Classification: Benign. Last evaluated: 2020-09-30. Review status: criteria provided, single submitter. Criteria: ACMG Guidelines, 2015. Collection method: clinical testing. Allele origin: germline. Observed: 5 variant alleles.

Illumina Laboratory Services, Illumina
Classification: Likely benign for Cohen syndrome. Last evaluated: 2018-01-13. Review status: criteria provided, single submitter. Criteria: ICSL Variant Classification Criteria 13 December 2019. Collection method: clinical testing. Allele origin: germline.
Comment: This variant was observed in the ICSL laboratory as part of a predisposition screen in an ostensibly healthy population. It had not been previously curated by ICSL or reported in the Human Gene Mutation Database (HGMD: prior to June 1st, 2018), and was therefore a candidate for classification through an automated scoring system. Utilizing variant allele frequency, disease prevalence and penetrance estimates, and inheritance mode, an automated score was calculated to assess if this variant is too frequent to cause the disease. Based on the score and internal cut-off values, a variant classified as likely benign is not then subjected to further curation. The score for this variant resulted in a classification of likely benign for this disease.

Eurofins Ntd Llc (ga)
Classification: Benign. Last evaluated: 2016-11-30. Review status: criteria provided, single submitter. Criteria: EGL Classification Definitions 2015. Collection method: clinical testing. Allele origin: germline. Observed: 1 variant allele, 1 heterozygote.

Ambry Genetics
Classification: Benign for Inborn genetic diseases. Last evaluated: 2016-10-03. Review status: criteria provided, single submitter. Criteria: Ambry Variant Classification Scheme 2023. Collection method: clinical testing. Allele origin: germline.

Genetic Services Laboratory, University of Chicago
Classification: Likely benign. Last evaluated: 2016-08-08. Review status: criteria provided, single submitter. Criteria: ACMG Guidelines, 2015. Collection method: clinical testing. Allele origin: germline. Affected: no.

Breakthrough Genomics
Classification: Likely benign. Review status: criteria provided, single submitter. Criteria: ACMG Guidelines, 2015. Collection method: not provided. Allele origin: germline. Inheritance: Autosomal recessive inheritance. Affected: yes.

Natera, Inc.
Classification: Benign for Cohen syndrome. Last evaluated: 2020-09-16. Review status: no assertion criteria provided. Collection method: clinical testing. Allele origin: germline. Not counted in ClinVar's aggregate classification.

NM_152564.5(VPS13B):c.11619G>C (p.Val3873=)

Gene: VPS13B (vacuolar protein sorting 13 homolog B; plus strand). Cytogenetic location: 8q22.2.
Variant type: single nucleotide variant.
Coding change: c.11619G>C on transcript NM_152564.5 (MANE Select); coding-DNA position 11619, G replaced by C.
Protein change: p.Val3873=; no amino-acid change (valine 3873 retained).
Molecular consequence: synonymous variant.
Genome position (GRCh38, 1-based): chr8:99,871,571, G>C. VCF-style: chr8-99871571-G-C. GRCh37 (hg19) VCF-style: chr8-100883799-G-C.
Other names: p.Val3898=; c.11694G>C, p.Val3898= (NM_017890.5).
Identifiers: ClinVar variation 437246 (VCV000437246.55), dbSNP rs113454700, ClinGen allele CA4825287.